The following is an entry in ClinVar:

NM_001370298.3(FGD4):c.1961A>G (p.Gln654Arg)

Gene: FGD4 (FYVE, RhoGEF and PH domain containing 4; plus strand). Cytogenetic location: 12p11.21.
Variant type: single nucleotide variant.
Coding change: c.1961A>G on transcript NM_001370298.3 (MANE Select); coding-DNA position 1961, A replaced by G.
Protein change: p.Gln654Arg; replaces glutamine 654 with arginine.
Molecular consequence: missense variant.
Genome position (GRCh38, 1-based): chr12:32,624,983, A>G. VCF-style: chr12-32624983-A-G. GRCh37 (hg19) VCF-style: chr12-32777917-A-G.
Other names: c.1805A>G, p.Gln602Arg (NM_001304481.2); c.806A>G, p.Gln269Arg (NM_001304483.2); c.518A>G, p.Gln173Arg (NM_001304484.2); c.1271A>G, p.Gln424Arg (NM_001330373.2, NM_001330374.2, NM_001384130.1); c.998A>G, p.Gln333Arg (NM_001370297.1); c.1961A>G, p.Gln654Arg (NM_001384126.1); c.1550A>G, p.Gln517Arg (NM_001384127.1, NM_001384128.1, NM_001385118.1 and 1 more transcripts); short protein forms Q173R, Q269R, Q333R, Q424R, Q517R, Q602R, Q654R.
Identifiers: ClinVar variation 995365 (VCV000995365.8), dbSNP rs199546503, ClinGen allele CA6506953.

ClinVar aggregate classification (germline): Uncertain significance. Review status: criteria provided, multiple submitters, no conflicts (2 of 4 stars). 3 submissions from 3 submitters: Uncertain significance (3). Last evaluated 2025-05-14.

Conditions:
Charcot-Marie-Tooth disease type 4. Also called: Charcot-Marie-Tooth disease, type IV; Charcot-Marie-Tooth, Type 4. Identifiers: Orphanet 64749, MedGen C4082197, MONDO:0018995.

Allele frequency attached by ClinVar (database versions not stated): gnomAD 0.00003; TOPMed 0.00005; gnomAD exomes 0.00008 and 0.00018; ExAC 0.00016; 1000 Genomes Project 0.00020; 1000 Genomes Project 30x 0.00031.
gnomAD v4.1: 55 of 1,613,226 alleles (0.0034%); highest among the groups gnomAD compares: Admixed American, 0.092%; no homozygotes.

Submissions (3):

Women's Health and Genetics/Laboratory Corporation of America, LabCorp
Classification: Uncertain significance. Last evaluated: 2025-05-14. Review status: criteria provided, single submitter. Criteria: LabCorp Variant Classification Summary - May 2015. Collection method: clinical testing. Allele origin: germline.
Comment: Variant summary: FGD4 c.1550A>G (p.Gln517Arg) results in a conservative amino acid change in the encoded protein sequence. Algorithms developed to predict the effect of missense changes on protein structure and function are either unavailable or do not agree on the potential impact of this missense change. The variant allele was found at a frequency of 0.00018 in 251396 control chromosomes (gnomAD). This frequency is not significantly higher than estimated for a pathogenic variant in FGD4 causing Charcot-Marie-Tooth disease type 4H (0.00018 vs 0.0011), allowing no conclusion about variant significance. To our knowledge, no occurrence of c.1550A>G in individuals affected with Charcot-Marie-Tooth disease type 4H and no experimental evidence demonstrating its impact on protein function have been reported. ClinVar contains an entry for this variant (Variation ID: 995365). Based on the evidence outlined above, the variant was classified as uncertain significance.

Labcorp Genetics (formerly Invitae), Labcorp
Classification: Uncertain significance for Charcot-Marie-Tooth disease type 4. Last evaluated: 2024-04-08. Review status: criteria provided, single submitter. Criteria: Invitae Variant Classification Sherloc (09022015). Collection method: clinical testing. Allele origin: germline.
Comment: This sequence change replaces glutamine, which is neutral and polar, with arginine, which is basic and polar, at codon 517 of the FGD4 protein (p.Gln517Arg). This variant is present in population databases (rs199546503, gnomAD 0.1%). This variant has not been reported in the literature in individuals affected with FGD4-related conditions. ClinVar contains an entry for this variant (Variation ID: 995365). Advanced modeling of protein sequence and biophysical properties (such as structural, functional, and spatial information, amino acid conservation, physicochemical variation, residue mobility, and thermodynamic stability) performed at Invitae indicates that this missense variant is not expected to disrupt FGD4 protein function with a negative predictive value of 80%. In summary, the available evidence is currently insufficient to determine the role of this variant in disease. Therefore, it has been classified as a Variant of Uncertain Significance.

Athena Diagnostics
Classification: Uncertain significance. Last evaluated: 2019-11-14. Review status: criteria provided, single submitter. Criteria: Athena Diagnostics Criteria. Collection method: clinical testing. Allele origin: unknown.